The following is an entry in ClinVar:

NM_003119.4(SPG7):c.1268G>A (p.Gly423Asp)

Gene: SPG7 (SPG7 matrix AAA peptidase subunit, paraplegin; plus strand). Cytogenetic location: 16q24.3.
Variant type: single nucleotide variant.
Coding change: c.1268G>A on transcript NM_003119.4 (MANE Select); coding-DNA position 1268, G replaced by A.
Protein change: p.Gly423Asp; replaces glycine 423 with aspartic acid.
Molecular consequence: missense variant.
Genome position (GRCh38, 1-based): chr16:89,532,580, G>A. VCF-style: chr16-89532580-G-A. GRCh37 (hg19) VCF-style: chr16-89598988-G-A.
Other names: c.1268G>A, p.Gly423Asp (NM_001363850.1, NM_199367.3); short protein forms G423D.
Identifiers: ClinVar variation 5005665 (VCV005005665.2).

ClinVar aggregate classification (germline): Uncertain significance (1 of 4 stars; one submission).

Conditions:
Hereditary spastic paraplegia 7 (SPG7). Also called: SPASTIC PARAPLEGIA 7, AUTOSOMAL RECESSIVE, WITH OR WITHOUT CEREBELLAR ATAXIA; SPG7-related neurologic disorder; Spastic paraplegia 7; Hereditary spastic paraplegia Paraplegin type; Autosomal recessive spastic paraplegia type 7. Identifiers: Orphanet 99013, MedGen C1846564, MONDO:0011803, OMIM 607259.

Submission:

Juno Genomics, Hangzhou Juno Genomics, Inc
Classification: Uncertain significance for Hereditary spastic paraplegia 7. Review status: criteria provided, single submitter. Criteria: ACMG Guidelines, 2015. Collection method: clinical testing. Allele origin: germline.
Comment: Absent from controls (or at extremely low frequency if recessive) in Genome Aggregation Database.;Multiple lines of computational evidence support a deleterious effect on the gene or gene product.